The following is an entry in ClinVar:

ClinVar aggregate classification (germline): Likely benign (1 of 4 stars; one submission).

Allele frequency attached by ClinVar (database versions not stated): gnomAD exomes 0.00020; gnomAD 0.00708.

Submission:

GeneDx
Classification: Likely benign. Last evaluated: 2021-05-21. Review status: criteria provided, single submitter. Criteria: GeneDx Variant Classification Process June 2021. Collection method: clinical testing. Allele origin: germline. Affected: yes.
Comment: See Variant Classification Assertion Criteria.

NM_001424.6(EMP2):c.*137A>G

Gene: EMP2 (epithelial membrane protein 2; minus strand). Cytogenetic location: 16p13.13.
Variant type: single nucleotide variant.
Coding change: c.*137A>G on transcript NM_001424.6 (MANE Select); 137 bases downstream of the stop codon, A replaced by G.
Molecular consequence: 3 prime UTR variant.
Genome position (GRCh38, 1-based): chr16:10,532,768, T>C on the plus strand (A>G on the coding strand, the complement: EMP2 is on the minus strand). VCF-style: chr16-10532768-T-C. GRCh37 (hg19) VCF-style: chr16-10626625-T-C.
Identifiers: ClinVar variation 1704905 (VCV001704905.2), dbSNP rs866801060, ClinGen allele CA277616827.